The following is an entry in ClinVar:

NM_001035.3(RYR2):c.1740A>G (p.Val580=)

Gene: RYR2 (ryanodine receptor 2; plus strand). Cytogenetic location: 1q43.
Variant type: single nucleotide variant.
Coding change: c.1740A>G on transcript NM_001035.3 (MANE Select); coding-DNA position 1740, A replaced by G.
Protein change: p.Val580=; no amino-acid change (valine 580 retained).
Molecular consequence: synonymous variant.
Genome position (GRCh38, 1-based): chr1:237,491,837, A>G. VCF-style: chr1-237491837-A-G. GRCh37 (hg19) VCF-style: chr1-237655137-A-G.
Identifiers: ClinVar variation 1321367 (VCV001321367.2), dbSNP rs2150412954, ClinGen allele CA423816835.

ClinVar aggregate classification (germline): Likely benign. Review status: criteria provided, multiple submitters, no conflicts (2 of 4 stars). 2 submissions from 2 submitters: Likely benign (2). Last evaluated 2023-10-02.

Conditions:
Catecholaminergic polymorphic ventricular tachycardia (CVPT). Also called: Catecholamine-induced polymorphic ventricular tachycardia. Identifiers: Orphanet 3286, MedGen C5574922, MONDO:0017990.

Submissions (2):

All of Us Research Program, National Institutes of Health
Classification: Likely benign for Catecholaminergic polymorphic ventricular tachycardia. Last evaluated: 2023-10-02. Review status: criteria provided, single submitter. Criteria: ACMG Guidelines, 2015. Collection method: clinical testing. Allele origin: germline. Inheritance: Autosomal dominant inheritance. Observed: 1 variant allele, 1 heterozygote.
Comment: This study involves interpretation of variants in research participants for the purpose of population health screening. Participant phenotype was not available at the time of variant classification. Additional details can be found in publication PMID: 35346344, PMCID: PMC8962531

Women's Health and Genetics/Laboratory Corporation of America, LabCorp
Classification: Likely benign. Last evaluated: 2021-10-02. Review status: criteria provided, single submitter. Criteria: LabCorp Variant Classification Summary - May 2015. Collection method: clinical testing. Allele origin: germline.